The following is an entry in ClinVar:

ClinVar aggregate classification (germline): Uncertain significance (1 of 4 stars; one submission).

Conditions:
Inborn genetic diseases. Identifiers: MedGen C0950123, MeSH D030342.

Allele frequency attached by ClinVar (database versions not stated): TOPMed below 0.00001; ExAC 0.00001; gnomAD 0.00001; gnomAD exomes 0.00001.
gnomAD v4.1: 9 of 1,610,910 alleles (0.00056%); highest among the groups gnomAD compares: South Asian, 0.0088%; no homozygotes.

Submission:

Ambry Genetics
Classification: Uncertain significance for Inborn genetic diseases. Last evaluated: 2022-04-12. Review status: criteria provided, single submitter. Criteria: Ambry Variant Classification Scheme 2023. Collection method: clinical testing. Allele origin: germline.
Comment: The p.N2261H variant (also known as c.6781A>C), located in coding exon 46 of the LRRK2 gene, results from an A to C substitution at nucleotide position 6781. The asparagine at codon 2261 is replaced by histidine, an amino acid with similar properties. This amino acid position is conserved. In addition, this alteration is predicted to be tolerated by in silico analysis. Since supporting evidence is limited at this time, the clinical significance of this alteration remains unclear.

NM_198578.4(LRRK2):c.6781A>C (p.Asn2261His)

Gene: LRRK2 (leucine rich repeat kinase 2; plus strand). Cytogenetic location: 12q12.
Variant type: single nucleotide variant.
Coding change: c.6781A>C on transcript NM_198578.4 (MANE Select); coding-DNA position 6781, A replaced by C.
Protein change: p.Asn2261His; replaces asparagine 2261 with histidine.
Molecular consequence: missense variant.
Genome position (GRCh38, 1-based): chr12:40,356,125, A>C. VCF-style: chr12-40356125-A-C. GRCh37 (hg19) VCF-style: chr12-40749927-A-C.
Other names: short protein forms N2261H.
Identifiers: ClinVar variation 1755398 (VCV001755398.2), dbSNP rs781166631, ClinGen allele CA6514763.